The following is an entry in ClinVar:

NM_001128840.3(CACNA1D):c.4959A>T (p.Glu1653Asp)

Gene: CACNA1D (calcium voltage-gated channel subunit alpha1 D; plus strand). Cytogenetic location: 3p21.1.
Variant type: single nucleotide variant.
Coding change: c.4959A>T on transcript NM_001128840.3 (MANE Select); coding-DNA position 4959, A replaced by T.
Protein change: p.Glu1653Asp; replaces glutamic acid 1653 with aspartic acid.
Molecular consequence: missense variant.
Genome position (GRCh38, 1-based): chr3:53,800,284, A>T. VCF-style: chr3-53800284-A-T. GRCh37 (hg19) VCF-style: chr3-53834311-A-T.
Other names: c.5019A>T, p.Glu1673Asp (NM_000720.4); c.4914A>T, p.Glu1638Asp (NM_001128839.3); short protein forms E1638D, E1653D, E1673D.
Identifiers: ClinVar variation 1513298 (VCV001513298.8), dbSNP rs2106767164, ClinGen allele CA353249564.

ClinVar aggregate classification (germline): Uncertain significance (1 of 4 stars; one submission).

Submission:

Labcorp Genetics (formerly Invitae), Labcorp
Classification: Uncertain significance. Last evaluated: 2025-03-18. Review status: criteria provided, single submitter. Criteria: Invitae Variant Classification Sherloc (09022015). Collection method: clinical testing. Allele origin: germline.
Comment: This sequence change replaces glutamic acid, which is acidic and polar, with aspartic acid, which is acidic and polar, at codon 1673 of the CACNA1D protein (p.Glu1673Asp). This variant is not present in population databases (gnomAD no frequency). This variant has not been reported in the literature in individuals affected with CACNA1D-related conditions. ClinVar contains an entry for this variant (Variation ID: 1513298). An algorithm developed to predict the effect of missense changes on protein structure and function (PolyPhen-2) suggests that this variant is likely to be disruptive. In summary, the available evidence is currently insufficient to determine the role of this variant in disease. Therefore, it has been classified as a Variant of Uncertain Significance.